The following is an entry in ClinVar:

ClinVar aggregate classification (germline): Uncertain significance. Review status: criteria provided, multiple submitters, no conflicts (2 of 4 stars). 2 submissions from 2 submitters: Uncertain significance (2). Last evaluated 2023-12-22.

Conditions:
Inborn genetic diseases. Identifiers: MedGen C0950123, MeSH D030342.

Allele frequency attached by ClinVar (database versions not stated): ExAC 0.00002; gnomAD 0.00003; TOPMed 0.00006; ESP Exome Variant Server 0.00008.
gnomAD v4.1: 11 of 1,613,964 alleles (0.00068%); highest among the groups gnomAD compares: Middle Eastern, 0.016%; no homozygotes.

Submissions (2):

Ambry Genetics
Classification: Uncertain significance for Inborn genetic diseases. Last evaluated: 2023-12-22. Review status: criteria provided, single submitter. Criteria: Ambry Variant Classification Scheme 2023. Collection method: clinical testing. Allele origin: germline.

Labcorp Genetics (formerly Invitae), Labcorp
Classification: Uncertain significance. Last evaluated: 2023-02-04. Review status: criteria provided, single submitter. Criteria: Invitae Variant Classification Sherloc (09022015). Collection method: clinical testing. Allele origin: germline.
Comment: This sequence change replaces methionine, which is neutral and non-polar, with threonine, which is neutral and polar, at codon 1334 of the CENPJ protein (p.Met1334Thr). This variant is present in population databases (rs373179147, gnomAD 0.003%). This variant has not been reported in the literature in individuals affected with CENPJ-related conditions. Advanced modeling of protein sequence and biophysical properties (such as structural, functional, and spatial information, amino acid conservation, physicochemical variation, residue mobility, and thermodynamic stability) performed at Invitae indicates that this missense variant is expected to disrupt CENPJ protein function. In summary, the available evidence is currently insufficient to determine the role of this variant in disease. Therefore, it has been classified as a Variant of Uncertain Significance.

NM_018451.5(CPAP):c.4001T>C (p.Met1334Thr)

Genes: CPAP (centrosome assembly and centriole elongation protein; minus strand), RNF17 (ring finger protein 17; plus strand). Cytogenetic location: 13q12.12.
Variant type: single nucleotide variant.
Coding change: c.4001T>C on transcript NM_018451.5 (MANE Select); coding-DNA position 4001, T replaced by C.
Protein change: p.Met1334Thr; replaces methionine 1334 with threonine.
Molecular consequence: missense variant. On other transcripts: non-coding transcript variant (2).
Genome position (GRCh38, 1-based): chr13:24,883,193, A>G on the plus strand (T>C on the coding strand, the complement: CPAP is on the minus strand). VCF-style: chr13-24883193-A-G. GRCh37 (hg19) VCF-style: chr13-25457331-A-G.
Other names: c.4001T>C (NM_018451.3); short protein forms M1334T.
Identifiers: ClinVar variation 1901695 (VCV001901695.4), dbSNP rs373179147, ClinGen allele CA6919073.